The following is an entry in ClinVar:

ClinVar aggregate classification (germline): Uncertain significance. Review status: criteria provided, multiple submitters, no conflicts (2 of 4 stars). 2 submissions from 2 submitters: Uncertain significance (2). Last evaluated 2026-06-04.

Conditions:
Inborn genetic diseases. Identifiers: MedGen C0950123, MeSH D030342.

Allele frequency attached by ClinVar (database versions not stated): gnomAD exomes below 0.00001.
gnomAD v4.1: 1 of 1,614,160 alleles (0.000062%); highest among the groups gnomAD compares: Non-Finnish European, 0.000085%; no homozygotes.

Submissions (2):

Ambry Genetics
Classification: Uncertain significance for Inborn genetic diseases. Last evaluated: 2026-06-04. Review status: criteria provided, single submitter. Criteria: Ambry Variant Classification Scheme 2023. Collection method: clinical testing. Allele origin: germline.
Comment: The c.1819G>C (p.D607H) alteration is located in exon 16 (coding exon 16) of the KDM1A gene. This alteration results from a G to C substitution at nucleotide position 1819, causing the aspartic acid (D) at amino acid position 607 to be replaced by a histidine (H). This variant was not reported in population-based cohorts in the Genome Aggregation Database (gnomAD). This amino acid position is highly conserved in available vertebrate species. This missense alteration is located in a region that has a low rate of benign missense variation (Lek, 2016; Firth, 2009). This alteration is predicted to be deleterious by in silico analysis. Based on insufficient or conflicting evidence, the clinical significance of this alteration remains unclear.

Labcorp Genetics (formerly Invitae), Labcorp
Classification: Uncertain significance. Last evaluated: 2025-06-12. Review status: criteria provided, single submitter. Criteria: Invitae Variant Classification Sherloc (09022015). Collection method: clinical testing. Allele origin: germline.
Comment: This sequence change replaces aspartic acid, which is acidic and polar, with histidine, which is basic and polar, at codon 607 of the KDM1A protein (p.Asp607His). This variant is not present in population databases (gnomAD no frequency). This variant has not been reported in the literature in individuals affected with KDM1A-related conditions. ClinVar contains an entry for this variant (Variation ID: 2530337). Invitae Evidence Modeling of protein sequence and biophysical properties (such as structural, functional, and spatial information, amino acid conservation, physicochemical variation, residue mobility, and thermodynamic stability) indicates that this missense variant is expected to disrupt KDM1A protein function with a positive predictive value of 80%. In summary, the available evidence is currently insufficient to determine the role of this variant in disease. Therefore, it has been classified as a Variant of Uncertain Significance.

NM_001009999.3(KDM1A):c.1819G>C (p.Asp607His)

Gene: KDM1A (lysine demethylase 1A; plus strand). Cytogenetic location: 1p36.12.
Variant type: single nucleotide variant.
Coding change: c.1819G>C on transcript NM_001009999.3 (MANE Select); coding-DNA position 1819, G replaced by C.
Protein change: p.Asp607His; replaces aspartic acid 607 with histidine.
Molecular consequence: missense variant.
Genome position (GRCh38, 1-based): chr1:23,077,312, G>C. VCF-style: chr1-23077312-G-C. GRCh37 (hg19) VCF-style: chr1-23403805-G-C.
Other names: c.1765G>C, p.Asp589His (NM_001363654.2); c.1825G>C, p.Asp609His (NM_001410762.1); c.1747G>C, p.Asp583His (NM_001410763.1, NM_015013.4); short protein forms D589H, D609H, D583H, D607H.
Identifiers: ClinVar variation 2530337 (VCV002530337.5), dbSNP rs2522780804, ClinGen allele CA338970268.